The following is an entry in ClinVar:

NM_007325.5(GRIA3):c.442G>A (p.Ala148Thr)

Gene: GRIA3 (glutamate ionotropic receptor AMPA type subunit 3; plus strand). Cytogenetic location: Xq25.
Variant type: single nucleotide variant.
Coding change: c.442G>A on transcript NM_007325.5 (MANE Select); coding-DNA position 442, G replaced by A.
Protein change: p.Ala148Thr; replaces alanine 148 with threonine.
Molecular consequence: missense variant.
Genome position (GRCh38, 1-based): chrX:123,253,476, G>A. VCF-style: chrX-123253476-G-A. GRCh37 (hg19) VCF-style: chrX-122387327-G-A.
Other names: c.442G>A, p.Ala148Thr (NM_000828.5); short protein forms A148T.
Identifiers: ClinVar variation 1498942 (VCV001498942.35), dbSNP rs761306897, ClinGen allele CA10506899.

ClinVar aggregate classification (germline): Uncertain significance. Review status: criteria provided, multiple submitters, no conflicts (2 of 4 stars). 2 submissions from 2 submitters: Uncertain significance (2). Last evaluated 2023-04-01.

Allele frequency attached by ClinVar (database versions not stated): ExAC 0.00001; gnomAD exomes 0.00001; gnomAD 0.00002.
gnomAD v4.1: 15 of 1,204,577 alleles (0.0012%); highest among the groups gnomAD compares: South Asian, 0.0053%; no homozygotes.

Submissions (2):

CeGaT Center for Human Genetics Tuebingen
Classification: Uncertain significance. Last evaluated: 2023-04-01. Review status: criteria provided, single submitter. Criteria: CeGaT Center For Human Genetics Tuebingen Variant Classification Criteria Version 2. Collection method: clinical testing. Allele origin: germline. Affected: yes. Observed: 1 variant allele.
Comment: GRIA3: PP3

Labcorp Genetics (formerly Invitae), Labcorp
Classification: Uncertain significance. Last evaluated: 2022-08-27. Review status: criteria provided, single submitter. Criteria: Invitae Variant Classification Sherloc (09022015). Collection method: clinical testing. Allele origin: germline.
Comment: In summary, the available evidence is currently insufficient to determine the role of this variant in disease. Therefore, it has been classified as a Variant of Uncertain Significance. Advanced modeling of protein sequence and biophysical properties (such as structural, functional, and spatial information, amino acid conservation, physicochemical variation, residue mobility, and thermodynamic stability) performed at Invitae indicates that this missense variant is expected to disrupt GRIA3 protein function. ClinVar contains an entry for this variant (Variation ID: 1498942). This variant has not been reported in the literature in individuals affected with GRIA3-related conditions. This variant is present in population databases (rs761306897, gnomAD 0.005%). This sequence change replaces alanine, which is neutral and non-polar, with threonine, which is neutral and polar, at codon 148 of the GRIA3 protein (p.Ala148Thr).